The following is an entry in ClinVar:

ClinVar aggregate classification (germline): Uncertain significance (1 of 4 stars; one submission).

Conditions:
Niemann-Pick disease, type C1. Also called: NIEMANN-PICK DISEASE, VARIANT TYPE C1; NEUROVISCERAL STORAGE DISEASE WITH VERTICAL SUPRANUCLEAR OPHTHALMOPLEGIA; NIEMANN-PICK DISEASE WITH CHOLESTEROL ESTERIFICATION BLOCK; NIEMANN-PICK DISEASE WITHOUT SPHINGOMYELINASE DEFICIENCY; NIEMANN-PICK DISEASE, CHRONIC NEURONOPATHIC FORM. Identifiers: Orphanet 646, MedGen C3179455, MONDO:0009757, OMIM 257220.

Submission:

Labcorp Genetics (formerly Invitae), Labcorp
Classification: Uncertain significance for Niemann-Pick disease, type C1. Last evaluated: 2022-03-13. Review status: criteria provided, single submitter. Criteria: Invitae Variant Classification Sherloc (09022015). Collection method: clinical testing. Allele origin: germline.
Comment: This sequence change replaces threonine, which is neutral and polar, with serine, which is neutral and polar, at codon 900 of the NPC1 protein (p.Thr900Ser). This variant is not present in population databases (gnomAD no frequency). This variant has not been reported in the literature in individuals affected with NPC1-related conditions. Advanced modeling of protein sequence and biophysical properties (such as structural, functional, and spatial information, amino acid conservation, physicochemical variation, residue mobility, and thermodynamic stability) performed at Invitae indicates that this missense variant is not expected to disrupt NPC1 protein function. In summary, the available evidence is currently insufficient to determine the role of this variant in disease. Therefore, it has been classified as a Variant of Uncertain Significance.

NM_000271.5(NPC1):c.2699C>G (p.Thr900Ser)

Gene: NPC1 (NPC intracellular cholesterol transporter 1; minus strand). Cytogenetic location: 18q11.2.
Variant type: single nucleotide variant.
Coding change: c.2699C>G on transcript NM_000271.5 (MANE Select); coding-DNA position 2699, C replaced by G.
Protein change: p.Thr900Ser; replaces threonine 900 with serine.
Molecular consequence: missense variant.
Genome position (GRCh38, 1-based): chr18:23,539,907, G>C on the plus strand (C>G on the coding strand, the complement: NPC1 is on the minus strand). VCF-style: chr18-23539907-G-C. GRCh37 (hg19) VCF-style: chr18-21119871-G-C.
Other names: short protein forms T900S.
Identifiers: ClinVar variation 2110824 (VCV002110824.4), dbSNP rs2511213889, ClinGen allele CA401792837.